The following is an entry in ClinVar:

NM_001753.5(CAV1):c.533T>A (p.Ile178Lys)

Gene: CAV1 (caveolin 1; plus strand). Cytogenetic location: 7q31.2.
Variant type: single nucleotide variant.
Coding change: c.533T>A on transcript NM_001753.5 (MANE Select); coding-DNA position 533, T replaced by A.
Protein change: p.Ile178Lys; replaces isoleucine 178 with lysine.
Molecular consequence: missense variant.
Genome position (GRCh38, 1-based): chr7:116,559,283, T>A. VCF-style: chr7-116559283-T-A. GRCh37 (hg19) VCF-style: chr7-116199337-T-A.
Other names: c.440T>A, p.Ile147Lys (NM_001172895.1, NM_001172896.2, NM_001172897.2); short protein forms I178K, I147K.
Identifiers: ClinVar variation 700514 (VCV000700514.12), dbSNP rs774239970, ClinGen allele CA4447903.

ClinVar aggregate classification (germline): Likely benign. Review status: criteria provided, multiple submitters, no conflicts (2 of 4 stars). 3 submissions from 3 submitters: Likely benign (2). 1 of the submissions does not count toward it. Last evaluated 2026-01-28.

Conditions:
CAV1-related disorder. Also called: CAV1-related condition.
Inborn genetic diseases. Identifiers: MedGen C0950123, MeSH D030342.
Pulmonary hypertension, primary, 3. Identifiers: Orphanet 422, MedGen C3809192, MONDO:0014135, OMIM 615343.

Allele frequency attached by ClinVar (database versions not stated): gnomAD 0.00003; TOPMed 0.00008; gnomAD exomes 0.00012 and 0.00027; ExAC 0.00022.
gnomAD v4.1: 75 of 1,609,778 alleles (0.0047%); highest among the groups gnomAD compares: Admixed American, 0.12%; no homozygotes.

Submissions (3):

Labcorp Genetics (formerly Invitae), Labcorp
Classification: Likely benign for Pulmonary hypertension, primary, 3. Last evaluated: 2026-01-28. Review status: criteria provided, single submitter. Criteria: Invitae Variant Classification Sherloc (09022015). Collection method: clinical testing. Allele origin: germline.

Ambry Genetics
Classification: Likely benign for Inborn genetic diseases. Last evaluated: 2025-02-04. Review status: criteria provided, single submitter. Criteria: Ambry Variant Classification Scheme 2023. Collection method: clinical testing. Allele origin: germline.

PreventionGenetics, part of Exact Sciences
Classification: Likely benign for CAV1-related condition. Last evaluated: 2022-03-28. Review status: no assertion criteria provided. Collection method: clinical testing. Allele origin: germline. Not counted in ClinVar's aggregate classification.
Comment: This variant is classified as likely benign based on ACMG/AMP sequence variant interpretation guidelines (Richards et al. 2015 PMID: 25741868, with internal and published modifications).